The following is an entry in ClinVar:

NM_001367624.2(ZNF469):c.2501T>C (p.Met834Thr)

Gene: ZNF469 (zinc finger protein 469; plus strand). Cytogenetic location: 16q24.2.
Variant type: single nucleotide variant.
Coding change: c.2501T>C on transcript NM_001367624.2 (MANE Select); coding-DNA position 2501, T replaced by C.
Protein change: p.Met834Thr; replaces methionine 834 with threonine.
Molecular consequence: missense variant.
Genome position (GRCh38, 1-based): chr16:88,429,971, T>C. VCF-style: chr16-88429971-T-C. GRCh37 (hg19) VCF-style: chr16-88496379-T-C.
Other names: NM_001127464.1:c.2501T>C; short protein forms M834T.
Identifiers: ClinVar variation 3232774 (VCV003232774.1), dbSNP rs1906019317, ClinGen allele CA397072571.

ClinVar aggregate classification (germline): Uncertain significance (1 of 4 stars; one submission).

Conditions:
Cardiovascular phenotype. Identifiers: MedGen CN230736.

Allele frequency attached by ClinVar (database versions not stated): gnomAD exomes below 0.00001; TOPMed below 0.00001.
gnomAD v4.1: 3 of 1,550,132 alleles (0.00019%); highest among the groups gnomAD compares: Non-Finnish European, 0.00026%; no homozygotes.

Submission:

Ambry Genetics
Classification: Uncertain significance for Cardiovascular phenotype. Last evaluated: 2023-10-19. Review status: criteria provided, single submitter. Criteria: Ambry Variant Classification Scheme 2023. Collection method: clinical testing. Allele origin: germline.
Comment: The p.M834T variant (also known as c.2501T>C), located in coding exon 1 of the ZNF469 gene, results from a T to C substitution at nucleotide position 2501. The methionine at codon 834 is replaced by threonine, an amino acid with similar properties. This amino acid position is conserved. In addition, this alteration is predicted to be tolerated by in silico analysis. Since supporting evidence is limited at this time, the clinical significance of this alteration remains unclear.